The following is an entry in ClinVar:

ClinVar aggregate classification (germline): Uncertain significance (1 of 4 stars; one submission).

Conditions:
Congenital contractural arachnodactyly (CCA). Also called: BEALS SYNDROME; Beals-Hecht syndrome; Arthrogryposis, distal, type 9. Identifiers: Orphanet 115, MedGen C0220668, MONDO:0007363, OMIM 121050.

Allele frequency attached by ClinVar (database versions not stated): TOPMed below 0.00001; ExAC 0.00001; gnomAD 0.00001; 1000 Genomes Project 0.00020; 1000 Genomes Project 30x 0.00031.
gnomAD v4.1: 2 of 1,613,344 alleles (0.00012%); highest among the groups gnomAD compares: African/African-American, 0.0013%; no homozygotes.

Submission:

Labcorp Genetics (formerly Invitae), Labcorp
Classification: Uncertain significance for Congenital contractural arachnodactyly. Last evaluated: 2025-06-05. Review status: criteria provided, single submitter. Criteria: Invitae Variant Classification Sherloc (09022015). Collection method: clinical testing. Allele origin: germline.
Comment: This sequence change replaces valine, which is neutral and non-polar, with leucine, which is neutral and non-polar, at codon 179 of the FBN2 protein (p.Val179Leu). This variant is present in population databases (rs192781953, gnomAD 0.007%). This variant has not been reported in the literature in individuals affected with FBN2-related conditions. ClinVar contains an entry for this variant (Variation ID: 2901534). An algorithm developed to predict the effect of missense changes on protein structure and function (PolyPhen-2) suggests that this variant is likely to be tolerated. In summary, the available evidence is currently insufficient to determine the role of this variant in disease. Therefore, it has been classified as a Variant of Uncertain Significance.

NM_001999.4(FBN2):c.535G>C (p.Val179Leu)

Gene: FBN2 (fibrillin 2; minus strand). Cytogenetic location: 5q23.3.
Variant type: single nucleotide variant.
Coding change: c.535G>C on transcript NM_001999.4 (MANE Select); coding-DNA position 535, G replaced by C.
Protein change: p.Val179Leu; replaces valine 179 with leucine.
Molecular consequence: missense variant.
Genome position (GRCh38, 1-based): chr5:128,519,366, C>G on the plus strand (G>C on the coding strand, the complement: FBN2 is on the minus strand). VCF-style: chr5-128519366-C-G. GRCh37 (hg19) VCF-style: chr5-127855059-C-G.
Other names: short protein forms V179L.
Identifiers: ClinVar variation 2901534 (VCV002901534.3), dbSNP rs192781953, ClinGen allele CA3396075.